The following is an entry in ClinVar:

NM_001164665.2(KIAA1549):c.3453C>T (p.Ile1151=)

Gene: KIAA1549 (KIAA1549; minus strand). Cytogenetic location: 7q34.
Variant type: single nucleotide variant.
Coding change: c.3453C>T on transcript NM_001164665.2 (MANE Select); coding-DNA position 3453, C replaced by T.
Protein change: p.Ile1151=; no amino-acid change (isoleucine 1151 retained).
Molecular consequence: synonymous variant.
Genome position (GRCh38, 1-based): chr7:138,906,926, G>A on the plus strand (C>T on the coding strand, the complement: KIAA1549 is on the minus strand). VCF-style: chr7-138906926-G-A. GRCh37 (hg19) VCF-style: chr7-138591672-G-A.
Other names: c.3453C>T, p.Ile1151= (NM_020910.3).
Identifiers: ClinVar variation 778366 (VCV000778366.35), dbSNP rs61744112, ClinGen allele CA4506216.
Genomic context (GRCh38, chr7:138,906,926, plus strand): 5'-ACCAAAAATGCCCGCCATCACCTCCCCAGCATGTCCAAGAGGGCTGTACTCACGCTCTGC[G>A]ATCTGCAGCACTGGGTATCCCAGATAGAAACTGAACTCCACCACACTCAAGTTTCTGAGC-3'
Protein context (NP_001158137.1, residues 1141-1161): SFYLGYPVLQ[Ile1151=]AEPFQYPQLN

ClinVar aggregate classification (germline): Benign/Likely benign. Review status: criteria provided, multiple submitters, no conflicts (2 of 4 stars). 3 submissions from 3 submitters: Benign (2); Likely benign (1). Last evaluated 2026-02-01.

Allele frequency attached by ClinVar (database versions not stated): gnomAD exomes 0.00056 and 0.00116; ExAC 0.00138; 1000 Genomes Project 30x 0.00328; 1000 Genomes Project 0.00339; gnomAD 0.00380 and 0.00408; ESP Exome Variant Server 0.00381; TOPMed 0.00407.
gnomAD v4.1: 1,419 of 1,594,988 alleles (0.089%); highest among the groups gnomAD compares: African/African-American, 1.3%; 8 homozygotes.

Submissions (3):

Labcorp Genetics (formerly Invitae), Labcorp
Classification: Benign. Last evaluated: 2026-02-01. Review status: criteria provided, single submitter. Criteria: Invitae Variant Classification Sherloc (09022015). Collection method: clinical testing. Allele origin: germline.

Blueprint Genetics
Classification: Likely benign. Last evaluated: 2024-09-25. Review status: criteria provided, single submitter. Criteria: ACMG Guidelines, 2015. Collection method: clinical testing. Allele origin: germline.

CeGaT Center for Human Genetics Tuebingen
Classification: Benign. Last evaluated: 2023-06-01. Review status: criteria provided, single submitter. Criteria: CeGaT Center For Human Genetics Tuebingen Variant Classification Criteria Version 2. Collection method: clinical testing. Allele origin: germline. Affected: yes. Observed: 1 variant allele.
Comment: KIAA1549: BP4, BP7, BS1, BS2